The following is an entry in ClinVar:

NM_015272.5(RPGRIP1L):c.3323G>A (p.Cys1108Tyr)

Gene: RPGRIP1L (RPGRIP1 like; minus strand). Cytogenetic location: 16q12.2.
Variant type: single nucleotide variant.
Coding change: c.3323G>A on transcript NM_015272.5 (MANE Select); coding-DNA position 3323, G replaced by A.
Protein change: p.Cys1108Tyr; replaces cysteine 1108 with tyrosine.
Molecular consequence: missense variant. On other transcripts: intron variant (2).
Genome position (GRCh38, 1-based): chr16:53,622,328, C>T on the plus strand (G>A on the coding strand, the complement: RPGRIP1L is on the minus strand). VCF-style: chr16-53622328-C-T. GRCh37 (hg19) VCF-style: chr16-53656240-C-T.
Other names: c.3323G>A (NM_015272.4); c.3221G>A, p.Cys1074Tyr (NM_001330538.2); c.3193-3120G>A (NM_001127897.4); c.3295-3120G>A (NM_001308334.3); short protein forms C1074Y, C1108Y.
Identifiers: ClinVar variation 1475439 (VCV001475439.11), dbSNP rs919333754, ClinGen allele CA281358356.

ClinVar aggregate classification (germline): Conflicting classifications of pathogenicity. Review status: criteria provided, conflicting classifications (1 of 4 stars). 4 submissions from 4 submitters: Uncertain significance (1); Likely benign (3). Last evaluated 2026-01-19.

Conditions:
COACH syndrome 3. Identifiers: MedGen C5436841, MONDO:0030862, OMIM 619113.
Joubert syndrome 7 (JBTS7). Identifiers: Orphanet 220497, MedGen C1969053, MONDO:0012694, OMIM 611560.
Meckel syndrome, type 5 (MKS5). Identifiers: Orphanet 564, MedGen C1969052, MONDO:0012695, OMIM 611561.
RPGRIP1L-related disorder. Also called: RPGRIP1L-related disorders; RPGRIP1L-related condition. Identifiers: MedGen CN239416.
Joubert syndrome. Also called: Familial aplasia of the vermis; JOUBERT-BOLTSHAUSER SYNDROME. Identifiers: Orphanet 475, MedGen C5979921, MONDO:0018772.
Meckel-Gruber syndrome. Also called: Dysencephalia splachnocystica; DYSENCEPHALIA SPLANCHNOCYSTICA; GRUBER SYNDROME. Identifiers: Orphanet 564, MedGen C0265215, MONDO:0018921.

Allele frequency attached by ClinVar (database versions not stated): gnomAD exomes 0.00004 and 0.00007; TOPMed 0.00047; gnomAD 0.00043 and 0.00046.
gnomAD v4.1: 89 of 637,582 alleles (0.014%); highest among the groups gnomAD compares: African/African-American, 0.15%; 1 homozygote.

Submissions (4):

Labcorp Genetics (formerly Invitae), Labcorp
Classification: Likely benign for Joubert syndrome; Meckel-Gruber syndrome. Last evaluated: 2026-01-19. Review status: criteria provided, single submitter. Criteria: Invitae Variant Classification Sherloc (09022015). Collection method: clinical testing. Allele origin: germline.

PreventionGenetics, part of Exact Sciences
Classification: Likely benign for RPGRIP1L-related condition. Last evaluated: 2025-05-06. Review status: criteria provided, single submitter. Criteria: ACMG Guidelines, 2015. Collection method: clinical testing. Allele origin: germline.
Comment: This variant is classified as likely benign based on ACMG/AMP sequence variant interpretation guidelines (Richards et al. 2015 PMID: 25741868, with internal and published modifications).

Fulgent Genetics
Classification: Likely benign for Joubert syndrome 7; Meckel syndrome, type 5; COACH syndrome 3. Last evaluated: 2024-02-23. Review status: criteria provided, single submitter. Criteria: ACMG Guidelines, 2015. Collection method: clinical testing. Allele origin: germline.

GeneDx
Classification: Uncertain significance. Last evaluated: 2022-05-03. Review status: criteria provided, single submitter. Criteria: GeneDx Variant Classification Process June 2021. Collection method: clinical testing. Allele origin: germline. Affected: yes.
Comment: In silico analysis supports that this missense variant does not alter protein structure/function; Has not been previously published as pathogenic or benign to our knowledge